The following is an entry in ClinVar:

NM_015378.4(VPS13D):c.11825_11826del (p.Glu3942fs)

Gene: VPS13D (vacuolar protein sorting 13 homolog D; plus strand). Cytogenetic location: 1p36.22.
Variant type: Deletion.
Coding change: c.11825_11826del on transcript NM_015378.4 (MANE Select); coding-DNA positions 11825 to 11826, 2 bases deleted (AG; older notation c.11825_11826delAG).
Protein change: p.Glu3942fs; shifts the reading frame from glutamic acid 3942.
Molecular consequence: frameshift variant.
Genome position (GRCh38, 1-based): chr1:12,401,648-12,401,649, AG deleted; deleting any 2 consecutive bases within chr1:12,401,647-12,401,649 gives the same sequence; the c. name uses the placement nearest the transcript's 3' end. VCF-style (leftmost placement, unchanged base first): chr1-12401646-TGA-T. GRCh37 (hg19) VCF-style: chr1-12461699-TGA-T.
Other names: c.11750_11751del, p.Glu3917fs (NM_018156.4); short protein forms E3942fs, E3917fs.
Identifiers: ClinVar variation 2016492 (VCV002016492.4), dbSNP rs2521522129, ClinGen allele CA2580060570.

ClinVar aggregate classification (germline): Pathogenic (1 of 4 stars; one submission).

Submission:

Labcorp Genetics (formerly Invitae), Labcorp
Classification: Pathogenic. Last evaluated: 2022-07-15. Review status: criteria provided, single submitter. Criteria: Invitae Variant Classification Sherloc (09022015). Collection method: clinical testing. Allele origin: germline.
Comment: For these reasons, this variant has been classified as Pathogenic. This variant has not been reported in the literature in individuals affected with VPS13D-related conditions. This variant is not present in population databases (gnomAD no frequency). This sequence change creates a premature translational stop signal (p.Glu3942Glyfs*24) in the VPS13D gene. It is expected to result in an absent or disrupted protein product. Loss-of-function variants in VPS13D are known to be pathogenic (PMID: 29518281).

Literature cited by the submitters: PubMed 29518281.